The following is an entry in ClinVar:

NM_000235.4(LIPA):c.588G>A (p.Met196Ile)

Gene: LIPA (lipase A, lysosomal acid type; minus strand). Cytogenetic location: 10q23.31.
Variant type: single nucleotide variant.
Coding change: c.588G>A on transcript NM_000235.4 (MANE Select); coding-DNA position 588, G replaced by A.
Protein change: p.Met196Ile; replaces methionine 196 with isoleucine.
Molecular consequence: missense variant.
Genome position (GRCh38, 1-based): chr10:89,225,179, C>T on the plus strand (G>A on the coding strand, the complement: LIPA is on the minus strand). VCF-style: chr10-89225179-C-T. GRCh37 (hg19) VCF-style: chr10-90984936-C-T.
Other names: c.588G>A, p.Met196Ile (NM_001127605.3); c.240G>A, p.Met80Ile (NM_001288979.2); short protein forms M196I, M80I.
Identifiers: ClinVar variation 1750311 (VCV001750311.3), dbSNP rs1842752397, ClinGen allele CA377517328.

ClinVar aggregate classification (germline): Uncertain significance (1 of 4 stars; one submission).

Conditions:
Cardiovascular phenotype. Identifiers: MedGen CN230736.

Allele frequency attached by ClinVar (database versions not stated): gnomAD exomes below 0.00001; TOPMed below 0.00001; gnomAD 0.00001.

Submission:

Ambry Genetics
Classification: Uncertain significance for Cardiovascular phenotype. Last evaluated: 2024-07-14. Review status: criteria provided, single submitter. Criteria: Ambry Variant Classification Scheme 2023. Collection method: clinical testing. Allele origin: germline.
Comment: The p.M196I variant (also known as c.588G>A), located in coding exon 5 of the LIPA gene, results from a G to A substitution at nucleotide position 588. The methionine at codon 196 is replaced by isoleucine, an amino acid with highly similar properties. This amino acid position is conserved. In addition, this alteration is predicted to be tolerated by in silico analysis. Since supporting evidence is limited at this time, the clinical significance of this alteration remains unclear.